The following is an entry in ClinVar:

NM_207034.3(EDN3):c.*600A>G

Gene: EDN3 (endothelin 3; plus strand). Cytogenetic location: 20q13.32.
Variant type: single nucleotide variant.
Coding change: c.*600A>G on transcript NM_207034.3 (MANE Select); 600 bases downstream of the stop codon, A replaced by G.
Molecular consequence: 3 prime UTR variant.
Genome position (GRCh38, 1-based): chr20:59,325,059, A>G. VCF-style: chr20-59325059-A-G. GRCh37 (hg19) VCF-style: chr20-57900114-A-G.
Other names: c.*724A>G (NM_001302455.2); c.*692A>G (NM_001302456.2, NM_207032.3); c.*600A>G (NM_207033.3).
Identifiers: ClinVar variation 339147 (VCV000339147.5), dbSNP rs11570356, ClinGen allele CA10644287.

ClinVar aggregate classification (germline): Benign (1 of 4 stars; one submission).

Conditions:
Hirschsprung disease, susceptibility to, 4. Identifiers: Orphanet 388, MedGen C3150975, MONDO:0013384, OMIM 613712.

Allele frequency attached by ClinVar (database versions not stated): gnomAD exomes 0.00014; gnomAD 0.00844 and 0.00906; TOPMed 0.00915; 1000 Genomes Project 0.01038; 1000 Genomes Project 30x 0.01124.

Submission:

Illumina Laboratory Services, Illumina
Classification: Benign for Hirschsprung disease, susceptibility to, 4. Last evaluated: 2018-01-12. Review status: criteria provided, single submitter. Criteria: ICSL Variant Classification Criteria 13 December 2019. Collection method: clinical testing. Allele origin: germline.
Comment: This variant was observed in the ICSL laboratory as part of a predisposition screen in an ostensibly healthy population. It had not been previously curated by ICSL or reported in the Human Gene Mutation Database (HGMD: prior to June 1st, 2018), and was therefore a candidate for classification through an automated scoring system. Utilizing variant allele frequency, disease prevalence and penetrance estimates, and inheritance mode, an automated score was calculated to assess if this variant is too frequent to cause the disease. Based on the score and internal cut-off values, a variant classified as benign is not then subjected to further curation. The score for this variant resulted in a classification of benign for this disease.